The following is an entry in ClinVar:

NM_018191.4(RCBTB1):c.962C>T (p.Pro321Leu)

Gene: RCBTB1 (RCC1 and BTB domain containing protein 1; minus strand). Cytogenetic location: 13q14.2.
Variant type: single nucleotide variant.
Coding change: c.962C>T on transcript NM_018191.4 (MANE Select); coding-DNA position 962, C replaced by T.
Protein change: p.Pro321Leu; replaces proline 321 with leucine.
Molecular consequence: missense variant. On other transcripts: non-coding transcript variant (2).
Genome position (GRCh38, 1-based): chr13:49,549,541, G>A on the plus strand (C>T on the coding strand, the complement: RCBTB1 is on the minus strand). VCF-style: chr13-49549541-G-A. GRCh37 (hg19) VCF-style: chr13-50123677-G-A.
Other names: c.962C>T, p.Pro321Leu (NM_001352504.2, NM_001352505.2, NM_001352500.2 and 3 more transcripts); c.383C>T, p.Pro128Leu (NM_001352506.2); short protein forms P128L, P321L.
Identifiers: ClinVar variation 1000397 (VCV001000397.5), dbSNP rs758420965, ClinGen allele CA6982726.

ClinVar aggregate classification (germline): Uncertain significance. Review status: criteria provided, multiple submitters, no conflicts (2 of 4 stars). 2 submissions from 2 submitters: Uncertain significance (2). Last evaluated 2023-09-28.

Allele frequency attached by ClinVar (database versions not stated): ExAC 0.00001; gnomAD 0.00001 and 0.00003; gnomAD exomes 0.00002; TOPMed 0.00004.
gnomAD v4.1: 29 of 1,613,978 alleles (0.0018%); highest among the groups gnomAD compares: Non-Finnish European, 0.0023%; no homozygotes.

Submissions (2):

Blueprint Genetics
Classification: Uncertain significance. Last evaluated: 2023-09-28. Review status: criteria provided, single submitter. Criteria: ACMG Guidelines, 2015. Collection method: clinical testing. Allele origin: germline.

Labcorp Genetics (formerly Invitae), Labcorp
Classification: Uncertain significance. Last evaluated: 2022-07-19. Review status: criteria provided, single submitter. Criteria: Invitae Variant Classification Sherloc (09022015). Collection method: clinical testing. Allele origin: germline.
Comment: This sequence change replaces proline, which is neutral and non-polar, with leucine, which is neutral and non-polar, at codon 321 of the RCBTB1 protein (p.Pro321Leu). This variant is present in population databases (rs758420965, gnomAD 0.004%). This variant has not been reported in the literature in individuals affected with RCBTB1-related conditions. ClinVar contains an entry for this variant (Variation ID: 1000397). Algorithms developed to predict the effect of missense changes on protein structure and function (SIFT, PolyPhen-2, Align-GVGD) all suggest that this variant is likely to be disruptive. In summary, the available evidence is currently insufficient to determine the role of this variant in disease. Therefore, it has been classified as a Variant of Uncertain Significance.